The following is an entry in ClinVar:

ClinVar aggregate classification (germline): Likely benign (1 of 4 stars; one submission).

gnomAD v4.1: 1 of 1,613,222 alleles (0.000062%); highest among the groups gnomAD compares: Non-Finnish European, 0.000085%; no homozygotes.

Submission:

CeGaT Center for Human Genetics Tuebingen
Classification: Likely benign. Last evaluated: 2025-05-01. Review status: criteria provided, single submitter. Criteria: CeGaT Center For Human Genetics Tuebingen Variant Classification Criteria Version 2. Collection method: clinical testing. Allele origin: germline. Affected: yes. Observed: 1 variant allele.
Comment: SON: BP4, BP7

NM_138927.4(SON):c.198G>A (p.Glu66=)

Gene: SON (SON DNA and RNA binding protein; plus strand). Cytogenetic location: 21q22.11.
Variant type: single nucleotide variant.
Coding change: c.198G>A on transcript NM_138927.4 (MANE Select); coding-DNA position 198, G replaced by A.
Protein change: p.Glu66=; no amino-acid change (glutamic acid 66 retained).
Molecular consequence: synonymous variant. On other transcripts: non-coding transcript variant (1).
Genome position (GRCh38, 1-based): chr21:33,546,333, G>A. VCF-style: chr21-33546333-G-A. GRCh37 (hg19) VCF-style: chr21-34918639-G-A.
Other names: c.198G>A, p.Glu66= (NM_001291411.2, NM_001291412.3, NM_032195.3).
Identifiers: ClinVar variation 3905647 (VCV003905647.10).